The following is an entry in ClinVar:

NM_006206.6(PDGFRA):c.*78A>G

Gene: PDGFRA (platelet derived growth factor receptor alpha; plus strand). Cytogenetic location: 4q12.
Variant type: single nucleotide variant.
Coding change: c.*78A>G on transcript NM_006206.6 (MANE Select); 78 bases downstream of the stop codon, A replaced by G.
Molecular consequence: 3 prime UTR variant.
Genome position (GRCh38, 1-based): chr4:54,295,350, A>G. VCF-style: chr4-54295350-A-G. GRCh37 (hg19) VCF-style: chr4-55161517-A-G.
Other names: c.*78A>G (NM_001347828.2, NM_001347829.2, NM_001347830.2).
Identifiers: ClinVar variation 348913 (VCV000348913.8), dbSNP rs7680422, ClinGen allele CA10621182.

ClinVar aggregate classification (germline): Benign. Review status: criteria provided, multiple submitters, no conflicts (2 of 4 stars). 4 submissions from 3 submitters: Benign (4). Last evaluated 2018-06-22.

Conditions:
Gastrointestinal stromal tumor. Also called: Gastrointestinal stromal tumor, somatic; Gastrointestinal stroma tumor. Identifiers: Orphanet 44890, MedGen C0238198, MeSH D046152, MONDO:0011719, OMIM 606764, HP:0100723.
Idiopathic hypereosinophilic syndrome (HES). Identifiers: Orphanet 3260, MedGen C0206141, MONDO:0011895, OMIM 607685. Disease mechanism: gain of function.

Allele frequency attached by ClinVar (database versions not stated): 1000 Genomes Project 30x 0.99641; TOPMed 0.99665; gnomAD 0.99696 and 0.99717; 1000 Genomes Project 0.99700; gnomAD exomes 0.99971.
gnomAD v4.1: 1,416,870 of 1,417,674 alleles (100%); highest among the groups gnomAD compares: East Asian, 100%; 708,036 homozygotes.

Submissions (4):

GeneDx
Classification: Benign. Last evaluated: 2018-06-22. Review status: criteria provided, single submitter. Criteria: GeneDx Variant Classification Process June 2021. Collection method: clinical testing. Allele origin: germline. Affected: yes.

Illumina Laboratory Services, Illumina
Classification: Benign for Gastrointestinal stromal tumor. Last evaluated: 2018-01-13. Review status: criteria provided, single submitter. Criteria: ICSL Variant Classification Criteria 13 December 2019. Collection method: clinical testing. Allele origin: germline.
Comment: This variant was observed in the ICSL laboratory as part of a predisposition screen in an ostensibly healthy population. It had not been previously curated by ICSL or reported in the Human Gene Mutation Database (HGMD: prior to June 1st, 2018), and was therefore a candidate for classification through an automated scoring system. Utilizing variant allele frequency, disease prevalence and penetrance estimates, and inheritance mode, an automated score was calculated to assess if this variant is too frequent to cause the disease. Based on the score and internal cut-off values, a variant classified as benign is not then subjected to further curation. The score for this variant resulted in a classification of benign for this disease.

Illumina Laboratory Services, Illumina
Classification: Benign for Idiopathic hypereosinophilic syndrome. Last evaluated: 2018-01-13. Review status: criteria provided, single submitter. Criteria: ICSL Variant Classification Criteria 13 December 2019. Collection method: clinical testing. Allele origin: germline.
Comment: the same text as in the submission from Illumina Laboratory Services, Illumina above.

Breakthrough Genomics
Classification: Benign. Review status: criteria provided, single submitter. Criteria: ACMG Guidelines, 2015. Collection method: not provided. Allele origin: germline. Inheritance: Autosomal dominant inheritance. Affected: yes.